The following is an entry in ClinVar:

NM_015915.5(ATL1):c.1274T>C (p.Ile425Thr)

Gene: ATL1 (atlastin GTPase 1; plus strand). Cytogenetic location: 14q22.1.
Variant type: single nucleotide variant.
Coding change: c.1274T>C on transcript NM_015915.5 (MANE Select); coding-DNA position 1274, T replaced by C.
Protein change: p.Ile425Thr; replaces isoleucine 425 with threonine.
Molecular consequence: missense variant.
Genome position (GRCh38, 1-based): chr14:50,628,185, T>C. VCF-style: chr14-50628185-T-C. GRCh37 (hg19) VCF-style: chr14-51094903-T-C.
Other names: c.1274T>C (NM_015915.4); c.1274T>C, p.Ile425Thr (NM_001127713.1, NM_181598.4); short protein forms I425T.
Identifiers: ClinVar variation 1002862 (VCV001002862.10), dbSNP rs753618344, ClinGen allele CA7180460.
Genomic context (GRCh38, chr14:50,628,185, plus strand): 5'-TGAAGAAGATGGGTGGGGAAGAATTTAGCCGGCGTTACCTGCAGCAGTTGGAGAGTGAAA[T>C]AGATGAACTTTACATCCAATATATCAAGCACAATGATAGCAAAAATATCTTCCATGCAGC-3'
Protein context (NP_056999.2, residues 415-435): RRYLQQLESE[Ile425Thr]DELYIQYIKH

ClinVar aggregate classification (germline): Conflicting classifications of pathogenicity. Review status: criteria provided, conflicting classifications (1 of 4 stars). 3 submissions from 3 submitters: Uncertain significance (2); Likely benign (1). Last evaluated 2026-06-24.

Conditions:
Inborn genetic diseases. Identifiers: MedGen C0950123, MeSH D030342.
Hereditary spastic paraplegia 3A (SPG3A). Also called: SPASTIC PARAPLEGIA 3, AUTOSOMAL DOMINANT; FAMILIAL SPASTIC PARAPLEGIA, AUTOSOMAL DOMINANT, 1; SPG3; STRUMPELL DISEASE; Spastic Paraplegia 3A; Spastic paraplegia 3A, autosomal dominant. Identifiers: Orphanet 100984, MedGen C2931355, MONDO:0008437, OMIM 182600.

Allele frequency attached by ClinVar (database versions not stated): gnomAD exomes 0.00004 and 0.00001; TOPMed 0.00002; ExAC 0.00003; gnomAD 0.00003.
gnomAD v4.1: 23 of 1,613,974 alleles (0.0014%); highest among the groups gnomAD compares: Admixed American, 0.023%; no homozygotes.

Submissions (3):

Ambry Genetics
Classification: Likely benign for Inborn genetic diseases. Last evaluated: 2026-06-24. Review status: criteria provided, single submitter. Criteria: Ambry Variant Classification Scheme 2023. Collection method: clinical testing. Allele origin: germline.

Labcorp Genetics (formerly Invitae), Labcorp
Classification: Uncertain significance for Hereditary spastic paraplegia 3A. Last evaluated: 2025-07-30. Review status: criteria provided, single submitter. Criteria: Invitae Variant Classification Sherloc (09022015). Collection method: clinical testing. Allele origin: germline.
Comment: This sequence change replaces isoleucine, which is neutral and non-polar, with threonine, which is neutral and polar, at codon 425 of the ATL1 protein (p.Ile425Thr). This variant is present in population databases (rs753618344, gnomAD 0.04%). This variant has not been reported in the literature in individuals affected with ATL1-related conditions. ClinVar contains an entry for this variant (Variation ID: 1002862). Invitae Evidence Modeling of protein sequence and biophysical properties (such as structural, functional, and spatial information, amino acid conservation, physicochemical variation, residue mobility, and thermodynamic stability) has been performed for this missense variant. However, the output from this modeling did not meet the statistical confidence thresholds required to predict the impact of this variant on ATL1 protein function. In summary, the available evidence is currently insufficient to determine the role of this variant in disease. Therefore, it has been classified as a Variant of Uncertain Significance.

GeneDx
Classification: Uncertain significance. Last evaluated: 2024-01-30. Review status: criteria provided, single submitter. Criteria: GeneDx Variant Classification Process June 2021. Collection method: clinical testing. Allele origin: germline. Affected: yes.
Comment: In silico analysis supports that this missense variant has a deleterious effect on protein structure/function; Has not been previously published as pathogenic or benign to our knowledge; This variant is associated with the following publications: (PMID: 23334294)